The following is an entry in ClinVar:

ClinVar aggregate classification (germline): Likely pathogenic (1 of 4 stars; one submission).

Conditions:
Dilated cardiomyopathy 1D. Identifiers: Orphanet 154, Orphanet 54260, MedGen C1832243, MONDO:0011095, OMIM 601494.

Submission:

Centre for Mendelian Genomics, University Medical Centre Ljubljana
Classification: Likely pathogenic for Dilated cardiomyopathy 1D. Last evaluated: 2026-07-22. Review status: criteria provided, single submitter. Criteria: ACMG Guidelines, 2015. Collection method: clinical testing. Allele origin: germline. Affected: yes. Observed: 1 variant allele.
Comment: The identified variant c.87341_87343dup, p.(Arg29114_Tyr29115insTer) causes the insertion of a premature stop codon in the amino acid sequence encoded by the TTN gene, resulting in a truncated protein. The variant is located in a constitutively expressed exon of the A-band region of the protein, where loss-of-function variants are enriched in patients with dilated cardiomyopathy (PMID:25589632, PMID:22335739, PMID:26315439) and in internal cohort analysis. The variant has not previously been reported in the literature in association with human disease. However, the following arguments support its pathogenicity: (1) the variant is anticipated to result in loss of function in TTN, where loss of function is an established mechanism of pathogenicity [PVS1_STR]; and (2) the variant is absent from control populations in gnomAD [PM2]. Based on the evidence above, we classify the variant as likely pathogenic.

Literature cited by the submitters: PubMed 25589632; PubMed 22335739; PubMed 26315439.

NM_001267550.2(TTN):c.87341_87343dup (p.Tyr29115Ter)

Genes: TTN (titin; minus strand), TTN-AS1 (TTN antisense RNA 1; plus strand). Cytogenetic location: 2q31.2.
Variant type: Duplication.
Coding change: c.87341_87343dup on transcript NM_001267550.2 (MANE Select); coding-DNA positions 87341 to 87343, 3 bases duplicated (GAT; older notation c.87341_87343dupGAT).
Protein change: p.Tyr29115Ter; replaces tyrosine 29115 with a stop codon.
Molecular consequence: nonsense.
Genome position (GRCh38, 1-based): chr2:178,558,011-178,558,013, ATC duplicated on the plus strand (GAT on the coding strand, the reverse complement: TTN is on the minus strand). VCF-style (leftmost placement, unchanged base first): chr2-178558010-T-TATC. GRCh37 (hg19) VCF-style: chr2-179422737-T-TATC.
Other names: p.Arg29114_Tyr29115insTer; c.60146_60148dup, p.Tyr20050Ter (NM_003319.4); c.79637_79639dup, p.Tyr26547Ter (NM_133378.4); c.60521_60523dup, p.Tyr20175Ter (NM_133432.3); c.60722_60724dup, p.Tyr20242Ter (NM_133437.4); c.82418_82420dup, p.Tyr27474Ter (NM_001256850.1); c.87341_87343dupGAT (NM_001267550.2); short protein forms Y20050*, Y20175*, Y20242*, Y26547*, Y27474*, Y29115*.
Identifiers: ClinVar variation 4871887 (VCV004871887.1).